The following is an entry in ClinVar:

ClinVar aggregate classification (germline): Likely benign (1 of 4 stars; one submission).

gnomAD v4.1: 4 of 1,241,284 alleles (0.00032%); highest among the groups gnomAD compares: Non-Finnish European, 0.0004%; no homozygotes.

Submission:

CeGaT Center for Human Genetics Tuebingen
Classification: Likely benign. Last evaluated: 2022-06-01. Review status: criteria provided, single submitter. Criteria: CeGaT Center For Human Genetics Tuebingen Variant Classification Criteria Version 2. Collection method: clinical testing. Allele origin: germline. Affected: yes. Observed: 2 variant alleles.
Comment: MALT1: PM2:Supporting, BP4, BP7

NM_006785.4(MALT1):c.30C>T (p.Ala10=)

Genes: MALT1 (MALT1 paracaspase; plus strand), MALT1-AS1 (MALT1 antisense RNA 1; minus strand), LOC130062586 (ATAC-STARR-seq lymphoblastoid silent region 9487; plus strand). Cytogenetic location: 18q21.32.
Variant type: single nucleotide variant.
Coding change: c.30C>T on transcript NM_006785.4 (MANE Select); coding-DNA position 30, C replaced by T.
Protein change: p.Ala10=; no amino-acid change (alanine 10 retained).
Molecular consequence: synonymous variant. On other transcripts: non-coding transcript variant (1).
Genome position (GRCh38, 1-based): chr18:58,671,673, C>T. VCF-style: chr18-58671673-C-T. GRCh37 (hg19) VCF-style: chr18-56338905-C-T.
Other names: c.30C>T, p.Ala10= (NM_173844.3).
Identifiers: ClinVar variation 1694875 (VCV001694875.31), dbSNP rs2054162375, ClinGen allele CA504033152.